The following is an entry in ClinVar:

ClinVar aggregate classification (germline): Uncertain significance. Review status: criteria provided, multiple submitters, no conflicts (2 of 4 stars). 2 submissions from 2 submitters: Uncertain significance (2). Last evaluated 2025-11-10.

Allele frequency attached by ClinVar (database versions not stated): TOPMed 0.00020; gnomAD exomes 0.00035 and 0.00041; gnomAD 0.00039; ExAC 0.00053; ESP Exome Variant Server 0.00054.

Submissions (2):

GeneDx
Classification: Uncertain significance. Last evaluated: 2025-11-10. Review status: criteria provided, single submitter. Criteria: GeneDx Variant Classification Process June 2021. Collection method: clinical testing. Allele origin: germline. Affected: yes.
Comment: Nonsense variant predicted to result in protein truncation as the last 62 amino acids are lost; This variant is associated with the following publications: (PMID: 21341504, 29970488, 35574020, 12068494, 35495172, 41062462, 35207755, 37601970, 29726959, 40149731, 9768693, 38359179)

Labcorp Genetics (formerly Invitae), Labcorp
Classification: Uncertain significance. Last evaluated: 2025-06-14. Review status: criteria provided, single submitter. Criteria: Invitae Variant Classification Sherloc (09022015). Collection method: clinical testing. Allele origin: germline.
Comment: This sequence change creates a premature translational stop signal (p.Glu206*) in the POMC gene. While this is not anticipated to result in nonsense mediated decay, it is expected to disrupt the last 62 amino acid(s) of the POMC protein. This variant is present in population databases (rs202127120, gnomAD 0.2%), including at least one homozygous and/or hemizygous individual. This premature translational stop signal has been observed in individual(s) with obesity, in cis with a nearby in-frame insertion (PMID: 9768693, 29970488, 35574020). This variant is also known as Glu-180-Stop. ClinVar contains an entry for this variant (Variation ID: 381722). Experimental studies and prediction algorithms are not available or were not evaluated, and the functional significance of this variant is currently unknown. In summary, the available evidence is currently insufficient to determine the role of this variant in disease. Therefore, it has been classified as a Variant of Uncertain Significance.

Literature cited by the submitters: PubMed 9768693 (cited by Labcorp Genetics (formerly Invitae), Labcorp); PubMed 29970488 (cited by Labcorp Genetics (formerly Invitae), Labcorp); PubMed 35574020 (cited by Labcorp Genetics (formerly Invitae), Labcorp).

NM_000939.4(POMC):c.616G>T (p.Glu206Ter)

Gene: POMC (proopiomelanocortin; minus strand). Cytogenetic location: 2p23.3.
Variant type: single nucleotide variant.
Coding change: c.616G>T on transcript NM_000939.4 (MANE Select); coding-DNA position 616, G replaced by T.
Protein change: p.Glu206Ter; replaces glutamic acid 206 with a stop codon.
Molecular consequence: nonsense.
Genome position (GRCh38, 1-based): chr2:25,161,269, C>A on the plus strand (G>T on the coding strand, the complement: POMC is on the minus strand). VCF-style: chr2-25161269-C-A. GRCh37 (hg19) VCF-style: chr2-25384138-C-A.
Other names: c.616G>T, p.Glu206Ter (NM_001035256.3, NM_001319204.2, NM_001319205.2); short protein forms E206*.
Identifiers: ClinVar variation 381722 (VCV000381722.7), dbSNP rs202127120, ClinGen allele CA1555258.